The following is an entry in ClinVar:

ClinVar aggregate classification (germline): Pathogenic (1 of 4 stars; one submission).

Conditions:
Neurofibromatosis, type 1 (NF1). Also called: Neurofibromatosis, type I; VON RECKLINGHAUSEN DISEASE; NEUROFIBROMATOSIS, TYPE I, SOMATIC; Peripheral type neurofibromatosis. Identifiers: Orphanet 636, MedGen C0027831, MONDO:0018975, OMIM 162200. Disease mechanism: loss of function.

Submission:

Labcorp Genetics (formerly Invitae), Labcorp
Classification: Pathogenic for Neurofibromatosis, type 1. Last evaluated: 2023-02-27. Review status: criteria provided, single submitter. Criteria: Invitae Variant Classification Sherloc (09022015). Collection method: clinical testing. Allele origin: germline.
Comment: For these reasons, this variant has been classified as Pathogenic. This variant has not been reported in the literature in individuals affected with NF1-related conditions. This variant is not present in population databases (gnomAD no frequency). This sequence change creates a premature translational stop signal (p.Asn1854Ilefs*7) in the NF1 gene. It is expected to result in an absent or disrupted protein product. Loss-of-function variants in NF1 are known to be pathogenic (PMID: 10712197, 23913538).

Literature cited by the submitters: PubMed 10712197; PubMed 23913538.

NM_001042492.3(NF1):c.5622_5623dup (p.Asn1875fs)

Gene: NF1 (neurofibromin 1; plus strand). Cytogenetic location: 17q11.2.
Variant type: Microsatellite.
Coding change: c.5622_5623dup on transcript NM_001042492.3 (MANE Select); coding-DNA positions 5622 to 5623, 2 bases duplicated (TA; older notation c.5622_5623dupTA).
Protein change: p.Asn1875fs; shifts the reading frame from asparagine 1875.
Molecular consequence: frameshift variant.
Genome position (GRCh38, 1-based): chr17:31,330,308-31,330,309, TA duplicated; duplicating any 2 consecutive bases within chr17:31,330,306-31,330,309 gives the same sequence; the c. name uses the placement nearest the transcript's 3' end. VCF-style (leftmost placement, unchanged base first): chr17-31330305-C-CTA. GRCh37 (hg19) VCF-style: chr17-29657323-C-CTA.
Other names: c.5557_5558TA[3], p.Asn1854Ilefs (NM_000267.4); short protein forms N1854fs, N1875fs.
Identifiers: ClinVar variation 2841205 (VCV002841205.3), dbSNP rs2508717644, ClinGen allele CA2739267470.